The following is an entry in ClinVar:

ClinVar aggregate classification (germline): Likely pathogenic (1 of 4 stars; one submission).

Submission:

Genetic Services Laboratory, University of Chicago
Classification: Likely pathogenic. Last evaluated: 2020-02-24. Review status: criteria provided, single submitter. Criteria: ACMG Guidelines, 2015. Collection method: clinical testing. Allele origin: germline. Affected: yes.
Comment: DNA sequence analysis of the MCOLN1 gene demonstrated a single base pair deletion in exon 12, c.1538del. This sequence change results in an amino acid frameshift and creates a premature stop codon 66 amino acids downstream of the change, p.Phe513Serfs*67. This sequence change is predicted to result in an abnormal transcript, which may be degraded, or may lead to the production of a truncated MCOLN1 protein with potentially abnormal function. While this sequence change has not previously been described in the literature, other deletions in the MCOLN1 gene have been described in patients with MCOLN1-related mucolipidosis IV (PMID: 11030752). These collective evidences indicate that this sequence change is likely pathogenic, however functional studies have not been performed to prove this conclusively.

NM_020533.3(MCOLN1):c.1538del (p.Phe513fs)

Gene: MCOLN1 (mucolipin TRP cation channel 1; plus strand). Cytogenetic location: 19p13.2.
Variant type: Deletion.
Coding change: c.1538del on transcript NM_020533.3 (MANE Select); coding-DNA position 1538, one base deleted (T; older notation c.1538delT).
Protein change: p.Phe513fs; shifts the reading frame from phenylalanine 513.
Molecular consequence: frameshift variant.
Genome position (GRCh38, 1-based): chr19:7,530,464, T deleted; the last of 2 consecutive T bases (chr19:7,530,463-7,530,464); deleting either gives the same sequence. VCF-style (leftmost placement, unchanged base first): chr19-7530462-CT-C. GRCh37 (hg19) VCF-style: chr19-7595348-CT-C.
Other names: short protein forms F513fs.
Identifiers: ClinVar variation 1335968 (VCV001335968.4), dbSNP rs2146026152, ClinGen allele CA2573054842.